The following is an entry in ClinVar:

NM_201253.3(CRB1):c.527C>T (p.Pro176Leu)

Gene: CRB1 (crumbs cell polarity complex component 1; plus strand). Cytogenetic location: 1q31.3.
Variant type: single nucleotide variant.
Coding change: c.527C>T on transcript NM_201253.3 (MANE Select); coding-DNA position 527, C replaced by T.
Protein change: p.Pro176Leu; replaces proline 176 with leucine.
Molecular consequence: missense variant. On other transcripts: non-coding transcript variant (2).
Genome position (GRCh38, 1-based): chr1:197,328,878, C>T. VCF-style: chr1-197328878-C-T. GRCh37 (hg19) VCF-style: chr1-197298008-C-T.
Other names: c.527C>T, p.Pro176Leu (NM_001193640.2, NM_001257966.2); c.320C>T, p.Pro107Leu (NM_001257965.2); short protein forms P176L, P107L.
Identifiers: ClinVar variation 930440 (VCV000930440.3), dbSNP rs1417370819, ClinGen allele CA344085968.

ClinVar aggregate classification (germline): Uncertain significance (1 of 4 stars; one submission).

Conditions:
Pigmented paravenous retinochoroidal atrophy. Identifiers: Orphanet 251295, MedGen C1868310, MONDO:0008246, OMIM 172870.

Allele frequency attached by ClinVar (database versions not stated): gnomAD exomes below 0.00001.
gnomAD v4.1: 2 of 1,614,172 alleles (0.00012%); highest among the groups gnomAD compares: Non-Finnish European, 0.00017%; no homozygotes.

Submission:

Centre for Mendelian Genomics, University Medical Centre Ljubljana
Classification: Uncertain significance for Pigmented paravenous retinochoroidal atrophy. Last evaluated: 2019-03-04. Review status: criteria provided, single submitter. Criteria: ACMG Guidelines, 2015. Collection method: clinical testing. Allele origin: unknown. Affected: yes.
Comment: This variant was classified as: Uncertain significance. The following ACMG criteria were applied in classifying this variant: PM2,PP2,PP3.